The following is an entry in ClinVar:

ClinVar aggregate classification (germline): Uncertain significance (1 of 4 stars; one submission).

Conditions:
Developmental and epileptic encephalopathy, 37 (DEE37). Also called: Epileptic encephalopathy, early infantile, 37. Identifiers: MedGen C4310770, MONDO:0014859, OMIM 616981.

Submission:

Labcorp Genetics (formerly Invitae), Labcorp
Classification: Uncertain significance for Developmental and epileptic encephalopathy, 37. Last evaluated: 2018-08-31. Review status: criteria provided, single submitter. Criteria: Invitae Variant Classification Sherloc (09022015). Collection method: clinical testing. Allele origin: germline.
Comment: Algorithms developed to predict the effect of missense changes on protein structure and function do not agree on the potential impact of this missense change (SIFT: "Deleterious"; PolyPhen-2: "Benign"; Align-GVGD: "Class C0"). This sequence change replaces glycine with serine at codon 23 of the FRRS1L protein (p.Gly23Ser). The glycine residue is weakly conserved and there is a small physicochemical difference between glycine and serine. While this variant is not present in population databases, the frequency information is unreliable, as metrics indicate poor data quality at this position in the ExAC database. This variant has not been reported in the literature in individuals with FRRS1L-related disease. Algorithms developed to predict the effect of sequence changes on RNA splicing suggest that this variant may create or strengthen a splice site, but this prediction has not been confirmed by published transcriptional studies. In summary, the available evidence is currently insufficient to determine the role of this variant in disease. Therefore, it has been classified as a Variant of Uncertain Significance.

NM_014334.4(FRRS1L):c.-87G>A

Gene: FRRS1L (ferric chelate reductase 1 like; minus strand). Cytogenetic location: 9q31.3.
Variant type: single nucleotide variant.
Coding change: c.-87G>A on transcript NM_014334.4 (MANE Select); 87 bases upstream of the start codon, G replaced by A.
Molecular consequence: 5 prime UTR variant.
Genome position (GRCh38, 1-based): chr9:109,167,225, C>T on the plus strand (G>A on the coding strand, the complement: FRRS1L is on the minus strand). VCF-style: chr9-109167225-C-T. GRCh37 (hg19) VCF-style: chr9-111929505-C-T.
Identifiers: ClinVar variation 567554 (VCV000567554.10), dbSNP rs1564238301, ClinGen allele CA374431024.